The following is an entry in ClinVar:

ClinVar aggregate classification (germline): Uncertain significance (1 of 4 stars; one submission).

gnomAD v4.1: 1 of 1,397,214 alleles (0.000072%); highest among the groups gnomAD compares: Non-Finnish European, 0.000093%; no homozygotes.

Submission:

Labcorp Genetics (formerly Invitae), Labcorp
Classification: Uncertain significance. Last evaluated: 2025-11-15. Review status: criteria provided, single submitter. Criteria: Invitae Variant Classification Sherloc (09022015). Collection method: clinical testing. Allele origin: germline.
Comment: This sequence change replaces alanine, which is neutral and non-polar, with serine, which is neutral and polar, at codon 23 of the COL9A3 protein (p.Ala23Ser). This variant is not present in population databases (gnomAD no frequency). This variant has not been reported in the literature in individuals affected with COL9A3-related conditions. Invitae Evidence Modeling of protein sequence and biophysical properties (such as structural, functional, and spatial information, amino acid conservation, physicochemical variation, residue mobility, and thermodynamic stability) indicates that this missense variant is not expected to disrupt COL9A3 protein function with a negative predictive value of 95%. In summary, the available evidence is currently insufficient to determine the role of this variant in disease. Therefore, it has been classified as a Variant of Uncertain Significance.

NM_001853.4(COL9A3):c.67G>T (p.Ala23Ser)

Gene: COL9A3 (collagen type IX alpha 3 chain; plus strand). Cytogenetic location: 20q13.33.
Variant type: single nucleotide variant.
Coding change: c.67G>T on transcript NM_001853.4 (MANE Select); coding-DNA position 67, G replaced by T.
Protein change: p.Ala23Ser; replaces alanine 23 with serine.
Molecular consequence: missense variant.
Genome position (GRCh38, 1-based): chr20:62,817,131, G>T. VCF-style: chr20-62817131-G-T. GRCh37 (hg19) VCF-style: chr20-61448483-G-T.
Other names: short protein forms A23S.
Identifiers: ClinVar variation 4759721 (VCV004759721.1).